The following is an entry in ClinVar:

NM_206538.4(EMC10):c.263G>A (p.Arg88Gln)

Gene: EMC10 (ER membrane protein complex subunit 10; plus strand). Cytogenetic location: 19q13.33.
Variant type: single nucleotide variant.
Coding change: c.263G>A on transcript NM_206538.4 (MANE Select); coding-DNA position 263, G replaced by A.
Protein change: p.Arg88Gln; replaces arginine 88 with glutamine.
Molecular consequence: missense variant.
Genome position (GRCh38, 1-based): chr19:50,479,032, G>A. VCF-style: chr19-50479032-G-A. GRCh37 (hg19) VCF-style: chr19-50982289-G-A.
Other names: c.263G>A, p.Arg88Gln (NM_175063.6); c.263G>A (NM_175063.5); short protein forms R88Q.
Identifiers: ClinVar variation 2390662 (VCV002390662.3), dbSNP rs199627055, ClinGen allele CA9598979.
Genomic context (GRCh38, chr19:50,479,032, plus strand): 5'-TCCGGAAGCGGGGCTCACTGCTCTGGAACCAGCAGGATGGTACCTTGTCCCTGTCACAGC[G>A]GCAGCTCAGCGAGGAGGAGCGGGGCCGACTCCGGGTGAGGTGGGGCCCTCAGGGCTGGGT-3'
Protein context (NP_996261.1, residues 78-98): QQDGTLSLSQ[Arg88Gln]QLSEEERGRL

ClinVar aggregate classification (germline): Uncertain significance. Review status: criteria provided, multiple submitters, no conflicts (2 of 4 stars). 2 submissions from 2 submitters: Uncertain significance (2). Last evaluated 2024-03-29.

Conditions:
Inborn genetic diseases. Identifiers: MedGen C0950123, MeSH D030342.

Allele frequency attached by ClinVar (database versions not stated): ESP Exome Variant Server 0.00008; ExAC 0.00012; 1000 Genomes Project 30x 0.00016; gnomAD 0.00019; TOPMed 0.00019; 1000 Genomes Project 0.00020.

Submissions (2):

GeneDx
Classification: Uncertain significance. Last evaluated: 2024-03-29. Review status: criteria provided, single submitter. Criteria: GeneDx Variant Classification Process June 2021. Collection method: clinical testing. Allele origin: germline. Affected: yes.
Comment: In silico analysis supports that this missense variant does not alter protein structure/function; Has not been previously published as pathogenic or benign to our knowledge

Ambry Genetics
Classification: Uncertain significance for Inborn genetic diseases. Last evaluated: 2021-08-04. Review status: criteria provided, single submitter. Criteria: Ambry Variant Classification Scheme 2023. Collection method: clinical testing. Allele origin: germline.